The following is an entry in ClinVar:

ClinVar aggregate classification (germline): Uncertain significance. Review status: criteria provided, multiple submitters, no conflicts (2 of 4 stars). 2 submissions from 2 submitters: Uncertain significance (2). Last evaluated 2023-12-01.

Conditions:
Hypertrophic cardiomyopathy. Also called: HYPERTROPHIC MYOCARDIOPATHY. Identifiers: Orphanet 217569, MedGen C0007194, MeSH D002312, MONDO:0005045, HP:0001639.

Submissions (2):

All of Us Research Program, National Institutes of Health
Classification: Uncertain significance for Hypertrophic cardiomyopathy. Last evaluated: 2023-12-01. Review status: criteria provided, single submitter. Criteria: ACMG Guidelines, 2015. Collection method: clinical testing. Allele origin: germline. Inheritance: Autosomal dominant inheritance. Observed: 1 variant allele, 1 heterozygote.
Comment: This study involves interpretation of variants in research participants for the purpose of population health screening. Participant phenotype was not available at the time of variant classification. Additional details can be found in publication PMID: 35346344, PMCID: PMC8962531

Laboratory for Molecular Medicine, Mass General Brigham Personalized Medicine
Classification: Uncertain significance. Last evaluated: 2014-08-11. Review status: criteria provided, single submitter. Criteria: LMM Criteria. Collection method: clinical testing. Allele origin: germline. Observed: 1 variant allele.
Comment: The Tyr29Asp variant in TNNI3 has not been previously reported in individuals wi th cardiomyopathy or in large population studies. Computational prediction tools and conservation analysis do not provide strong support for or against an impac t to the protein. In summary, the clinical significance of the Tyr29Asp variant is uncertain.

NM_000363.5(TNNI3):c.85T>G (p.Tyr29Asp)

Gene: TNNI3 (troponin I3, cardiac type; minus strand). Cytogenetic location: 19q13.42.
Variant type: single nucleotide variant.
Coding change: c.85T>G on transcript NM_000363.5 (MANE Select); coding-DNA position 85, T replaced by G.
Protein change: p.Tyr29Asp; replaces tyrosine 29 with aspartic acid.
Molecular consequence: missense variant.
Genome position (GRCh38, 1-based): chr19:55,157,073, A>C on the plus strand (T>G on the coding strand, the complement: TNNI3 is on the minus strand). VCF-style: chr19-55157073-A-C. GRCh37 (hg19) VCF-style: chr19-55668441-A-C.
Other names: short protein forms Y29D.
Identifiers: ClinVar variation 165529 (VCV000165529.6), dbSNP rs727503510, ClinGen allele CA022127.